The following is an entry in ClinVar:

NM_004525.3(LRP2):c.6832C>T (p.Pro2278Ser)

Gene: LRP2 (LDL receptor related protein 2; minus strand). Cytogenetic location: 2q31.1.
Variant type: single nucleotide variant.
Coding change: c.6832C>T on transcript NM_004525.3 (MANE Select); coding-DNA position 6832, C replaced by T.
Protein change: p.Pro2278Ser; replaces proline 2278 with serine.
Molecular consequence: missense variant.
Genome position (GRCh38, 1-based): chr2:169,206,888, G>A on the plus strand (C>T on the coding strand, the complement: LRP2 is on the minus strand). VCF-style: chr2-169206888-G-A. GRCh37 (hg19) VCF-style: chr2-170063398-G-A.
Other names: short protein forms P2278S.
Identifiers: ClinVar variation 2101306 (VCV002101306.3), dbSNP rs762578615, ClinGen allele CA1954209.

ClinVar aggregate classification (germline): Uncertain significance. Review status: criteria provided, multiple submitters, no conflicts (2 of 4 stars). 2 submissions from 2 submitters: Uncertain significance (2). Last evaluated 2024-03-14.

Conditions:
Donnai-Barrow syndrome. Also called: FACIOOCULOACOUSTICORENAL SYNDROME; DBS/FOAR SYNDROME. Identifiers: Orphanet 2143, MedGen C1857277, MONDO:0009104, OMIM 222448.

Allele frequency attached by ClinVar (database versions not stated): gnomAD exomes below 0.00001; ExAC 0.00001.
gnomAD v4.1: 2 of 1,614,084 alleles (0.00012%); highest among the groups gnomAD compares: South Asian, 0.0011%; no homozygotes.

Submissions (2):

Fulgent Genetics
Classification: Uncertain significance for Donnai-Barrow syndrome. Last evaluated: 2024-03-14. Review status: criteria provided, single submitter. Criteria: ACMG Guidelines, 2015. Collection method: clinical testing. Allele origin: germline.

Labcorp Genetics (formerly Invitae), Labcorp
Classification: Uncertain significance. Last evaluated: 2022-02-21. Review status: criteria provided, single submitter. Criteria: Invitae Variant Classification Sherloc (09022015). Collection method: clinical testing. Allele origin: germline.
Comment: In summary, the available evidence is currently insufficient to determine the role of this variant in disease. Therefore, it has been classified as a Variant of Uncertain Significance. Advanced modeling of protein sequence and biophysical properties (such as structural, functional, and spatial information, amino acid conservation, physicochemical variation, residue mobility, and thermodynamic stability) performed at Invitae indicates that this missense variant is expected to disrupt LRP2 protein function. This variant has not been reported in the literature in individuals affected with LRP2-related conditions. This variant is present in population databases (rs762578615, gnomAD 0.006%). This sequence change replaces proline, which is neutral and non-polar, with serine, which is neutral and polar, at codon 2278 of the LRP2 protein (p.Pro2278Ser).